The following is an entry in ClinVar:

ClinVar aggregate classification (germline): Uncertain significance (1 of 4 stars; one submission).

gnomAD v4.1: 1 of 1,611,242 alleles (0.000062%); no homozygotes.

Submission:

Labcorp Genetics (formerly Invitae), Labcorp
Classification: Uncertain significance. Last evaluated: 2023-07-07. Review status: criteria provided, single submitter. Criteria: Invitae Variant Classification Sherloc (09022015). Collection method: clinical testing. Allele origin: germline.
Comment: This sequence change replaces proline, which is neutral and non-polar, with histidine, which is basic and polar, at codon 211 of the TNK2 protein (p.Pro211His). This variant is not present in population databases (gnomAD no frequency). This variant has not been reported in the literature in individuals affected with TNK2-related conditions. An algorithm developed to predict the effect of missense changes on protein structure and function (PolyPhen-2) suggests that this variant is likely to be disruptive. ClinVar contains an entry for this variant (Variation ID: 2088185). In summary, the available evidence is currently insufficient to determine the role of this variant in disease. Therefore, it has been classified as a Variant of Uncertain Significance.

NM_001382273.1(TNK2):c.443C>A (p.Pro148His)

Gene: TNK2 (tyrosine kinase non receptor 2; minus strand). Cytogenetic location: 3q29.
Variant type: single nucleotide variant.
Coding change: c.443C>A on transcript NM_001382273.1 (MANE Select); coding-DNA position 443, C replaced by A.
Protein change: p.Pro148His; replaces proline 148 with histidine.
Molecular consequence: missense variant. On other transcripts: non-coding transcript variant (15).
Genome position (GRCh38, 1-based): chr3:195,884,825, G>T on the plus strand (C>A on the coding strand, the complement: TNK2 is on the minus strand). VCF-style: chr3-195884825-G-T. GRCh37 (hg19) VCF-style: chr3-195611696-G-T.
Other names: c.443C>A, p.Pro148His (NM_001387713.1, NM_001387714.1, NM_001387716.1 and 12 more transcripts); c.515C>A, p.Pro172His (NM_001387715.1, NM_001010938.2, NM_001382272.1 and 1 more transcripts); c.539C>A, p.Pro180His (NM_001308046.2, NM_001382271.1, NM_001382275.1 and 1 more transcripts); short protein forms P180H, P148H, P172H.
Identifiers: ClinVar variation 2088185 (VCV002088185.4), dbSNP rs2149590371, ClinGen allele CA355582454.